The following is an entry in ClinVar:

NM_000059.4(BRCA2):c.2100A>G (p.Leu700=)

Gene: BRCA2 (BRCA2 DNA repair associated; plus strand). Cytogenetic location: 13q13.1.
Variant type: single nucleotide variant.
Coding change: c.2100A>G on transcript NM_000059.4 (MANE Select); coding-DNA position 2100, A replaced by G.
Protein change: p.Leu700=; no amino-acid change (leucine 700 retained).
Molecular consequence: synonymous variant.
Genome position (GRCh38, 1-based): chr13:32,336,455, A>G. VCF-style: chr13-32336455-A-G. GRCh37 (hg19) VCF-style: chr13-32910592-A-G.
Identifiers: ClinVar variation 516915 (VCV000516915.16), dbSNP rs1555282450, ClinGen allele CA483436779.

ClinVar aggregate classification (germline): Likely benign. Review status: criteria provided, multiple submitters, no conflicts (2 of 4 stars). 4 submissions from 4 submitters: Likely benign (4). Last evaluated 2024-12-15.

Conditions:
Hereditary cancer-predisposing syndrome. Also called: Tumor predisposition; Hereditary neoplastic syndrome; Neoplastic Syndromes, Hereditary; Hereditary Cancer Syndrome. Identifiers: Orphanet 140162, MedGen C0027672, MeSH D009386, MONDO:0015356.
Hereditary breast ovarian cancer syndrome. Also called: Hereditary breast and ovarian cancer syndrome (HBOC); Hereditary breast and ovarian cancer; Hereditary breast and ovarian cancer syndrome; Breast and ovarian cancer; BRCA1- and BRCA2-Associated Hereditary Breast and Ovarian Cancer; Hereditary breast and/or ovarian cancer syndrome. Identifiers: Orphanet 145, MedGen C0677776, MeSH D061325, MONDO:0003582. Disease mechanism: loss of function.

Submissions (4):

Labcorp Genetics (formerly Invitae), Labcorp
Classification: Likely benign for Hereditary breast ovarian cancer syndrome. Last evaluated: 2024-12-15. Review status: criteria provided, single submitter. Criteria: Invitae Variant Classification Sherloc (09022015). Collection method: clinical testing. Allele origin: germline.

Ambry Genetics
Classification: Likely benign for Hereditary cancer-predisposing syndrome. Last evaluated: 2019-04-25. Review status: criteria provided, single submitter. Criteria: Ambry Variant Classification Scheme 2023. Collection method: clinical testing. Allele origin: germline.

Color Diagnostics, LLC DBA Color Health
Classification: Likely benign for Hereditary cancer-predisposing syndrome. Last evaluated: 2018-07-24. Review status: criteria provided, single submitter. Criteria: ACMG Guidelines, 2015. Collection method: clinical testing. Allele origin: germline.

GeneDx
Classification: Likely benign. Last evaluated: 2017-09-12. Review status: criteria provided, single submitter. Criteria: GeneDx Variant Classification (06012015). Collection method: clinical testing. Allele origin: germline. Affected: yes.
Comment: This variant is considered likely benign or benign based on one or more of the following criteria: it is a conservative change, it occurs at a poorly conserved position in the protein, it is predicted to be benign by multiple in silico algorithms, and/or has population frequency not consistent with disease.